The following is an entry in ClinVar:

NM_016122.3(CEP83):c.155T>C (p.Leu52Pro)

Gene: CEP83 (centrosomal protein 83; minus strand). Cytogenetic location: 12q22.
Variant type: single nucleotide variant.
Coding change: c.155T>C on transcript NM_016122.3 (MANE Select); coding-DNA position 155, T replaced by C.
Protein change: p.Leu52Pro; replaces leucine 52 with proline.
Molecular consequence: missense variant. On other transcripts: non-coding transcript variant (1), intron variant (6).
Genome position (GRCh38, 1-based): chr12:94,412,336, A>G on the plus strand (T>C on the coding strand, the complement: CEP83 is on the minus strand). VCF-style: chr12-94412336-A-G. GRCh37 (hg19) VCF-style: chr12-94806112-A-G.
Other names: c.155T>C, p.Leu52Pro (NM_001042399.2, NM_001346457.2, NM_001346460.2 and 4 more transcripts); c.-140+181T>C (NM_001346459.2, NM_001346458.2, NM_001368040.1 and 3 more transcripts); short protein forms L52P.
Identifiers: ClinVar variation 1036193 (VCV001036193.7), dbSNP rs1464832161, ClinGen allele CA386144516.

ClinVar aggregate classification (germline): Uncertain significance (1 of 4 stars; one submission).

Conditions:
Nephronophthisis 18 (NPHP18). Identifiers: Orphanet 655, MedGen C3890591, MONDO:0014374, OMIM 615862.

Allele frequency attached by ClinVar (database versions not stated): gnomAD exomes below 0.00001; TOPMed below 0.00001.
gnomAD v4.1: 3 of 1,608,164 alleles (0.00019%); highest among the groups gnomAD compares: South Asian, 0.0011%; no homozygotes.

Submission:

Labcorp Genetics (formerly Invitae), Labcorp
Classification: Uncertain significance for Nephronophthisis 18. Last evaluated: 2025-12-08. Review status: criteria provided, single submitter. Criteria: Invitae Variant Classification Sherloc (09022015). Collection method: clinical testing. Allele origin: germline.
Comment: This sequence change replaces leucine, which is neutral and non-polar, with proline, which is neutral and non-polar, at codon 52 of the CEP83 protein (p.Leu52Pro). This variant is present in population databases (no rsID available, gnomAD 0.003%). This variant has not been reported in the literature in individuals affected with CEP83-related conditions. ClinVar contains an entry for this variant (Variation ID: 1036193). Invitae Evidence Modeling of protein sequence and biophysical properties (such as structural, functional, and spatial information, amino acid conservation, physicochemical variation, residue mobility, and thermodynamic stability) indicates that this missense variant is expected to disrupt CEP83 protein function with a positive predictive value of 80%. In summary, the available evidence is currently insufficient to determine the role of this variant in disease. Therefore, it has been classified as a Variant of Uncertain Significance.